The following is an entry in ClinVar:

ClinVar aggregate classification (germline): Uncertain significance (1 of 4 stars; one submission).

gnomAD v4.1: 3 of 1,613,948 alleles (0.00019%); highest among the groups gnomAD compares: Non-Finnish European, 0.00025%; no homozygotes.

Submission:

Women's Health and Genetics/Laboratory Corporation of America, LabCorp
Classification: Uncertain significance. Last evaluated: 2023-04-26. Review status: criteria provided, single submitter. Criteria: LabCorp Variant Classification Summary - May 2015. Collection method: clinical testing. Allele origin: germline.
Comment: Variant summary: ABCA3 c.115C>A (p.Leu39Ile) results in a conservative amino acid change in the encoded protein sequence. Three of five in-silico tools predict a damaging effect of the variant on protein function. The variant was absent in 251224 control chromosomes. The available data on variant occurrences in the general population are insufficient to allow any conclusion about variant significance. To our knowledge, no occurrence of c.115C>A in individuals affected with Pulmonary surfactant metabolism dysfunction and no experimental evidence demonstrating its impact on protein function have been reported. No clinical diagnostic laboratories have submitted clinical-significance assessments for this variant to ClinVar after 2014. Based on the evidence outlined above, the variant was classified as uncertain significance.

NM_001089.3(ABCA3):c.115C>A (p.Leu39Ile)

Gene: ABCA3 (ATP binding cassette subfamily A member 3; minus strand). Cytogenetic location: 16p13.3.
Variant type: single nucleotide variant.
Coding change: c.115C>A on transcript NM_001089.3 (MANE Select); coding-DNA position 115, C replaced by A.
Protein change: p.Leu39Ile; replaces leucine 39 with isoleucine.
Molecular consequence: missense variant.
Genome position (GRCh38, 1-based): chr16:2,326,214, G>T on the plus strand (C>A on the coding strand, the complement: ABCA3 is on the minus strand). VCF-style: chr16-2326214-G-T. GRCh37 (hg19) VCF-style: chr16-2376215-G-T.
Other names: c.115C>A (NM_001089.2); short protein forms L39I.
Identifiers: ClinVar variation 2503957 (VCV002503957.1), dbSNP rs200090198, ClinGen allele CA276853867.